The following is an entry in ClinVar:

ClinVar aggregate classification (germline): Uncertain significance (1 of 4 stars; one submission).

Submission:

Labcorp Genetics (formerly Invitae), Labcorp
Classification: Uncertain significance. Last evaluated: 2025-01-13. Review status: criteria provided, single submitter. Criteria: Invitae Variant Classification Sherloc (09022015). Collection method: clinical testing. Allele origin: germline.
Comment: This sequence change replaces glutamic acid, which is acidic and polar, with aspartic acid, which is acidic and polar, at codon 965 of the MICAL1 protein (p.Glu965Asp). This variant is not present in population databases (gnomAD no frequency). This variant has not been reported in the literature in individuals affected with MICAL1-related conditions. An algorithm developed to predict the effect of missense changes on protein structure and function (PolyPhen-2) suggests that this variant is likely to be disruptive. In summary, the available evidence is currently insufficient to determine the role of this variant in disease. Therefore, it has been classified as a Variant of Uncertain Significance.

NM_022765.4(MICAL1):c.2838G>T (p.Glu946Asp)

Gene: MICAL1 (microtubule associated monooxygenase, calponin and LIM domain containing 1; minus strand). Cytogenetic location: 6q21.
Variant type: single nucleotide variant.
Coding change: c.2838G>T on transcript NM_022765.4 (MANE Select); coding-DNA position 2838, G replaced by T.
Protein change: p.Glu946Asp; replaces glutamic acid 946 with aspartic acid.
Molecular consequence: missense variant.
Genome position (GRCh38, 1-based): chr6:109,445,240, C>A on the plus strand (G>T on the coding strand, the complement: MICAL1 is on the minus strand). VCF-style: chr6-109445240-C-A. GRCh37 (hg19) VCF-style: chr6-109766443-C-A.
Other names: c.2580G>T, p.Glu860Asp (NM_001159291.2); c.2895G>T, p.Glu965Asp (NM_001286613.2); short protein forms E860D, E946D, E965D.
Identifiers: ClinVar variation 3616561 (VCV003616561.2).